The following is an entry in ClinVar:

ClinVar aggregate classification (germline): Uncertain significance (1 of 4 stars; one submission).

gnomAD v4.1: 2 of 1,608,820 alleles (0.00012%); highest among the groups gnomAD compares: African/African-American, 0.0027%; no homozygotes.

Submission:

Labcorp Genetics (formerly Invitae), Labcorp
Classification: Uncertain significance. Last evaluated: 2024-08-27. Review status: criteria provided, single submitter. Criteria: Invitae Variant Classification Sherloc (09022015). Collection method: clinical testing. Allele origin: germline.
Comment: This sequence change replaces glycine, which is neutral and non-polar, with alanine, which is neutral and non-polar, at codon 2108 of the ATR protein (p.Gly2108Ala). This variant is present in population databases (no rsID available, gnomAD 0.008%). This variant has not been reported in the literature in individuals affected with ATR-related conditions. An algorithm developed to predict the effect of missense changes on protein structure and function outputs the following: PolyPhen-2: "Benign". The alanine amino acid residue is found in multiple mammalian species, which suggests that this missense change does not adversely affect protein function. In summary, the available evidence is currently insufficient to determine the role of this variant in disease. Therefore, it has been classified as a Variant of Uncertain Significance.

NM_001184.4(ATR):c.6323G>C (p.Gly2108Ala)

Gene: ATR (ATR checkpoint kinase; minus strand). Cytogenetic location: 3q23.
Variant type: single nucleotide variant.
Coding change: c.6323G>C on transcript NM_001184.4 (MANE Select); coding-DNA position 6323, G replaced by C.
Protein change: p.Gly2108Ala; replaces glycine 2108 with alanine.
Molecular consequence: missense variant.
Genome position (GRCh38, 1-based): chr3:142,469,566, C>G on the plus strand (G>C on the coding strand, the complement: ATR is on the minus strand). VCF-style: chr3-142469566-C-G. GRCh37 (hg19) VCF-style: chr3-142188408-C-G.
Other names: c.6131G>C, p.Gly2044Ala (NM_001354579.2); short protein forms G2044A, G2108A.
Identifiers: ClinVar variation 3606302 (VCV003606302.2).